The following is an entry in ClinVar:

ClinVar aggregate classification (germline): Conflicting classifications of pathogenicity. Review status: criteria provided, conflicting classifications (1 of 4 stars). 2 submissions from 2 submitters: Likely pathogenic (1); Uncertain significance (1). Last evaluated 2024-06-06.

Conditions:
Multiple acyl-CoA dehydrogenase deficiency (MADD). Also called: Glutaric Acidemia type 2; Glutaric aciduria, type 2; Glutaric acidemia type II; GA 2; ETHYLMALONIC-ADIPICACIDURIA; GA II. Identifiers: Orphanet 26791, MedGen C0268596, MONDO:0009282, OMIM 231680.

Submissions (2):

Fulgent Genetics
Classification: Likely pathogenic for Multiple acyl-CoA dehydrogenase deficiency. Last evaluated: 2024-06-06. Review status: criteria provided, single submitter. Criteria: ACMG Guidelines, 2015. Collection method: clinical testing. Allele origin: germline.

Labcorp Genetics (formerly Invitae), Labcorp
Classification: Uncertain significance for Multiple acyl-CoA dehydrogenase deficiency. Last evaluated: 2023-08-04. Review status: criteria provided, single submitter. Criteria: Invitae Variant Classification Sherloc (09022015). Collection method: clinical testing. Allele origin: germline.
Comment: ClinVar contains an entry for this variant (Variation ID: 1934026). In summary, the available evidence is currently insufficient to determine the role of this variant in disease. Therefore, it has been classified as a Variant of Uncertain Significance. This variant disrupts the c.34+5G nucleotide in the ETFDH gene. Other variant(s) that disrupt this nucleotide have been determined to be pathogenic (PMID: 26409463, 31418342, 32733732). This suggests that this nucleotide is clinically significant, and that variants that disrupt this position are likely to be disease-causing. Variants that disrupt the consensus splice site are a relatively common cause of aberrant splicing (PMID: 17576681, 9536098). Algorithms developed to predict the effect of sequence changes on RNA splicing suggest that this variant may disrupt the consensus splice site. This variant has not been reported in the literature in individuals affected with ETFDH-related conditions. This variant is not present in population databases (gnomAD no frequency). This sequence change falls in intron 1 of the ETFDH gene. It does not directly change the encoded amino acid sequence of the ETFDH protein. It affects a nucleotide within the consensus splice site.

Literature cited by the submitters: PubMed 26409463 (cited by Labcorp Genetics (formerly Invitae), Labcorp); PubMed 31418342 (cited by Labcorp Genetics (formerly Invitae), Labcorp); PubMed 32733732 (cited by Labcorp Genetics (formerly Invitae), Labcorp); PubMed 17576681 (cited by Labcorp Genetics (formerly Invitae), Labcorp); PubMed 9536098 (cited by Labcorp Genetics (formerly Invitae), Labcorp).

NM_004453.4(ETFDH):c.34+5G>A

Gene: ETFDH (electron transfer flavoprotein dehydrogenase; plus strand). Cytogenetic location: 4q32.1.
Variant type: single nucleotide variant.
Coding change: c.34+5G>A on transcript NM_004453.4 (MANE Select); 5 bases into the intron after coding-DNA position 34, G replaced by A.
Molecular consequence: intron variant.
Genome position (GRCh38, 1-based): chr4:158,672,495, G>A. VCF-style: chr4-158672495-G-A. GRCh37 (hg19) VCF-style: chr4-159593647-G-A.
Other names: c.34+5G>A (NM_001281737.2).
Identifiers: ClinVar variation 1934026 (VCV001934026.6), dbSNP rs1373597092, ClinGen allele CA2580071635.